The following is an entry in ClinVar:

ClinVar aggregate classification (germline): Conflicting classifications of pathogenicity. Review status: criteria provided, conflicting classifications (1 of 4 stars). 5 submissions from 4 submitters: Uncertain significance (2); Likely benign (3). Last evaluated 2025-11-03.

Conditions:
Optic atrophy. Identifiers: MedGen C0029124, MONDO:0003608, HP:0000648.
Retinal dystrophy. Also called: Inherited retinal dystrophy. Identifiers: Orphanet 71862, MedGen C0854723, MeSH D058499, MONDO:0019118, HP:0000556.

Allele frequency attached by ClinVar (database versions not stated): ESP Exome Variant Server 0.00008; gnomAD 0.00009 and 0.00019; TOPMed 0.00011; 1000 Genomes Project 30x 0.00016; 1000 Genomes Project 0.00020; gnomAD exomes 0.00038 and 0.00069; ExAC 0.00072.
gnomAD v4.1: 588 of 1,613,044 alleles (0.036%); highest among the groups gnomAD compares: Middle Eastern, 0.56%; 3 homozygotes.

Submissions (5):

Labcorp Genetics (formerly Invitae), Labcorp
Classification: Likely benign. Last evaluated: 2025-11-03. Review status: criteria provided, single submitter. Criteria: Invitae Variant Classification Sherloc (09022015). Collection method: clinical testing. Allele origin: germline.

Blueprint Genetics
Classification: Likely benign. Last evaluated: 2024-11-07. Review status: criteria provided, single submitter. Criteria: ACMG Guidelines, 2015. Collection method: clinical testing. Allele origin: germline.

CeGaT Center for Human Genetics Tuebingen
Classification: Likely benign. Last evaluated: 2024-01-01. Review status: criteria provided, single submitter. Criteria: CeGaT Center For Human Genetics Tuebingen Variant Classification Criteria Version 2. Collection method: clinical testing. Allele origin: germline. Affected: yes. Observed: 7 variant alleles.
Comment: RTN4IP1: PM2, PM3:Supporting, BS2

Institute of Human Genetics, Univ. Regensburg, Univ. Regensburg
Classification: Uncertain significance for Optic atrophy. Last evaluated: 2023-01-01. Review status: criteria provided, single submitter. Criteria: ACMG Guidelines, 2015. Collection method: clinical testing. Allele origin: germline. Affected: yes.

Institute of Human Genetics, Univ. Regensburg, Univ. Regensburg
Classification: Uncertain significance for Retinal dystrophy. Last evaluated: 2023-01-01. Review status: criteria provided, single submitter. Criteria: ACMG Guidelines, 2015. Collection method: clinical testing. Allele origin: germline. Affected: yes.

Literature cited by the submitters: PubMed 32855858 (cited by Institute of Human Genetics, Univ. Regensburg, Univ. Regensburg).

NM_032730.5(RTN4IP1):c.962G>C (p.Gly321Ala)

Gene: RTN4IP1 (reticulon 4 interacting protein 1; minus strand). Cytogenetic location: 6q21.
Variant type: single nucleotide variant.
Coding change: c.962G>C on transcript NM_032730.5 (MANE Select); coding-DNA position 962, G replaced by C.
Protein change: p.Gly321Ala; replaces glycine 321 with alanine.
Molecular consequence: missense variant.
Genome position (GRCh38, 1-based): chr6:106,587,707, C>G on the plus strand (G>C on the coding strand, the complement: RTN4IP1 is on the minus strand). VCF-style: chr6-106587707-C-G. GRCh37 (hg19) VCF-style: chr6-107035582-C-G.
Other names: c.662G>C, p.Gly221Ala (NM_001318746.1); short protein forms G321A, G221A.
Identifiers: ClinVar variation 870960 (VCV000870960.47), dbSNP rs145695118, ClinGen allele CA3944327.